The following is an entry in ClinVar:

ClinVar aggregate classification (germline): Pathogenic (1 of 4 stars; one submission).

Submission:

ISCA site 15
Classification: Pathogenic. Last evaluated: 2011-08-12. Review status: criteria provided, single submitter. Criteria: Kaminsky et al. (Genet Med. 2011). Collection method: clinical testing. Allele origin: de novo. Affected: yes. Observed: 1 variant allele.
Comment: Copy number variation identified through the course of routine clinical cytogenomic testing in postnatal populations. Clinical assertions have been curated as described in Kaminsky et al. 2011.

GRCh38/hg38 7p22.1(chr7:5062000-6692258)x1

Genes: ACTB (actin beta; minus strand), AIMP2 (aminoacyl tRNA synthetase complex interacting multifunctional protein 2; plus strand), ANKRD61 (ankyrin repeat domain 61; plus strand), CCZ1 (CCZ1 vacuolar protein trafficking and biogenesis associated; plus strand), CYTH3 (cytohesin 3; minus strand) and 135 more. Cytogenetic location: 7p22.1.
Variant type: copy number loss.
Change: copy number 1 (one copy instead of two) of chr7:5,062,000-6,692,258 (1.63 Mb, GRCh38 coordinates, 1-based), cytogenetic band 7p22.1.
Identifiers: ClinVar variation 58498 (VCV000058498.1).